The following is an entry in ClinVar:

NM_004329.3(BMPR1A):c.1270C>T (p.Pro424Ser)

Gene: BMPR1A (bone morphogenetic protein receptor type 1A; plus strand). Cytogenetic location: 10q23.2.
Variant type: single nucleotide variant.
Coding change: c.1270C>T on transcript NM_004329.3 (MANE Select); coding-DNA position 1270, C replaced by T.
Protein change: p.Pro424Ser; replaces proline 424 with serine.
Molecular consequence: missense variant.
Genome position (GRCh38, 1-based): chr10:86,921,623, C>T. VCF-style: chr10-86921623-C-T. GRCh37 (hg19) VCF-style: chr10-88681380-C-T.
Other names: short protein forms P424S.
Identifiers: ClinVar variation 489685 (VCV000489685.18), dbSNP rs201362537, ClinGen allele CA5585676.

ClinVar aggregate classification (germline): Uncertain significance. Review status: criteria provided, multiple submitters, no conflicts (2 of 4 stars). 5 submissions from 5 submitters: Uncertain significance (5). Last evaluated 2025-12-29.

Conditions:
Juvenile polyposis syndrome (JPS). Identifiers: Orphanet 2929, MedGen C0345893, MONDO:0017380, OMIM 174900.
Hereditary cancer-predisposing syndrome. Also called: Tumor predisposition; Neoplastic Syndromes, Hereditary; Hereditary Cancer Syndrome; Hereditary neoplastic syndrome. Identifiers: Orphanet 140162, MedGen C0027672, MeSH D009386, MONDO:0015356.
Polyposis syndrome, hereditary mixed, 2. Identifiers: Orphanet 157794, MedGen C1864730, MONDO:0012405, OMIM 610069.

Allele frequency attached by ClinVar (database versions not stated): gnomAD exomes below 0.00001; ExAC 0.00001; gnomAD 0.00001; 1000 Genomes Project 0.00020; 1000 Genomes Project 30x 0.00031.
gnomAD v4.1: 2 of 1,614,190 alleles (0.00012%); highest among the groups gnomAD compares: Admixed American, 0.0033%; no homozygotes.

Submissions (5):

Center for Genomic Medicine, Rigshospitalet, Copenhagen University Hospital
Classification: Uncertain significance. Last evaluated: 2025-12-29. Review status: criteria provided, single submitter. Criteria: ACMG Guidelines, 2015. Collection method: clinical testing. Allele origin: germline.

Ambry Genetics
Classification: Uncertain significance for Hereditary cancer-predisposing syndrome. Last evaluated: 2025-05-24. Review status: criteria provided, single submitter. Criteria: Ambry Variant Classification Scheme 2023. Collection method: clinical testing. Allele origin: germline.
Comment: The p.P424S variant (also known as c.1270C>T), located in coding exon 9 of the BMPR1A gene, results from a C to T substitution at nucleotide position 1270. The proline at codon 424 is replaced by serine, an amino acid with similar properties. This amino acid position is conserved. In addition, this alteration is predicted to be tolerated by in silico analysis. Based on the available evidence, the clinical significance of this variant remains unclear.

Labcorp Genetics (formerly Invitae), Labcorp
Classification: Uncertain significance for Juvenile polyposis syndrome. Last evaluated: 2024-08-03. Review status: criteria provided, single submitter. Criteria: Invitae Variant Classification Sherloc (09022015). Collection method: clinical testing. Allele origin: germline.
Comment: This sequence change replaces proline, which is neutral and non-polar, with serine, which is neutral and polar, at codon 424 of the BMPR1A protein (p.Pro424Ser). This variant is present in population databases (rs201362537, gnomAD 0.003%). This variant has not been reported in the literature in individuals affected with BMPR1A-related conditions. ClinVar contains an entry for this variant (Variation ID: 489685). Advanced modeling of protein sequence and biophysical properties (such as structural, functional, and spatial information, amino acid conservation, physicochemical variation, residue mobility, and thermodynamic stability) has been performed at Invitae for this missense variant, however the output from this modeling did not meet the statistical confidence thresholds required to predict the impact of this variant on BMPR1A protein function. In summary, the available evidence is currently insufficient to determine the role of this variant in disease. Therefore, it has been classified as a Variant of Uncertain Significance.

Color Diagnostics, LLC DBA Color Health
Classification: Uncertain significance for Hereditary cancer-predisposing syndrome. Last evaluated: 2024-03-06. Review status: criteria provided, single submitter. Criteria: ACMG Guidelines, 2015. Collection method: clinical testing. Allele origin: germline.
Comment: This missense variant replaces proline with serine at codon 424 of the BMPR1A protein. Computational prediction suggests that this variant may not impact protein structure and function (internally defined REVEL score threshold <= 0.5, PMID: 27666373). To our knowledge, functional studies have not been reported for this variant. This variant has not been reported in individuals affected with hereditary cancer in the literature. This variant has been identified in 1/251494 chromosomes in the general population by the Genome Aggregation Database (gnomAD). The available evidence is insufficient to determine the role of this variant in disease conclusively. Therefore, this variant is classified as a Variant of Uncertain Significance.

Baylor Genetics
Classification: Uncertain significance for Polyposis syndrome, hereditary mixed, 2. Last evaluated: 2023-11-14. Review status: criteria provided, single submitter. Criteria: ACMG Guidelines, 2015. Collection method: clinical testing. Allele origin: unknown.